The following is an entry in ClinVar:

NM_032833.5(PPP1R15B):c.782G>A (p.Arg261Lys)

Gene: PPP1R15B (protein phosphatase 1 regulatory subunit 15B; minus strand). Cytogenetic location: 1q32.1.
Variant type: single nucleotide variant.
Coding change: c.782G>A on transcript NM_032833.5 (MANE Select); coding-DNA position 782, G replaced by A.
Protein change: p.Arg261Lys; replaces arginine 261 with lysine.
Molecular consequence: missense variant.
Genome position (GRCh38, 1-based): chr1:204,410,630, C>T on the plus strand (G>A on the coding strand, the complement: PPP1R15B is on the minus strand). VCF-style: chr1-204410630-C-T. GRCh37 (hg19) VCF-style: chr1-204379758-C-T.
Other names: short protein forms R261K.
Identifiers: ClinVar variation 713035 (VCV000713035.10), dbSNP rs149427705, ClinGen allele CA1346743.

ClinVar aggregate classification (germline): Likely benign. Review status: criteria provided, single submitter (1 of 4 stars). 2 submissions from 2 submitters: Likely benign (1). 1 of the submissions does not count toward it. Last evaluated 2025-09-16.

Conditions:
PPP1R15B-related disorder. Also called: PPP1R15B-related condition.

Allele frequency attached by ClinVar (database versions not stated): gnomAD exomes 0.00022 and 0.00062; ExAC 0.00070; 1000 Genomes Project 0.00220; ESP Exome Variant Server 0.00238; gnomAD 0.00240 and 0.00252; 1000 Genomes Project 30x 0.00250; TOPMed 0.00273.

Submissions (2):

Labcorp Genetics (formerly Invitae), Labcorp
Classification: Likely benign. Last evaluated: 2025-09-16. Review status: criteria provided, single submitter. Criteria: Invitae Variant Classification Sherloc (09022015). Collection method: clinical testing. Allele origin: germline.

PreventionGenetics, part of Exact Sciences
Classification: Benign for PPP1R15B-related condition. Last evaluated: 2019-09-11. Review status: no assertion criteria provided. Collection method: clinical testing. Allele origin: germline. Not counted in ClinVar's aggregate classification.
Comment: This variant is classified as benign based on ACMG/AMP sequence variant interpretation guidelines (Richards et al. 2015 PMID: 25741868, with internal and published modifications).